The following is an entry in ClinVar:

NM_000548.5(TSC2):c.4772A>C (p.Lys1591Thr)

Gene: TSC2 (TSC complex subunit 2; plus strand). Cytogenetic location: 16p13.3.
Variant type: single nucleotide variant.
Coding change: c.4772A>C on transcript NM_000548.5 (MANE Select); coding-DNA position 4772, A replaced by C.
Protein change: p.Lys1591Thr; replaces lysine 1591 with threonine.
Molecular consequence: missense variant. On other transcripts: non-coding transcript variant (5).
Genome position (GRCh38, 1-based): chr16:2,086,302, A>C. VCF-style: chr16-2086302-A-C. GRCh37 (hg19) VCF-style: chr16-2136303-A-C.
Other names: c.4571A>C, p.Lys1524Thr (NM_001077183.3); c.4703A>C, p.Lys1568Thr (NM_001114382.3); c.4463A>C, p.Lys1488Thr (NM_001318827.2); c.4427A>C, p.Lys1476Thr (NM_001318829.2); c.4040A>C, p.Lys1347Thr (NM_001318831.2); c.4604A>C, p.Lys1535Thr (NM_001318832.2); c.4574A>C, p.Lys1525Thr (NM_001363528.2); c.4640A>C, p.Lys1547Thr (NM_001370404.1); and 26 more; short protein forms K1099T, K1100T, K1371T, K1391T, K1487T, K1488T, K1505T, K1521T.
Identifiers: ClinVar variation 2564704 (VCV002564704.2), dbSNP rs1596439144, ClinGen allele CA394307894.

ClinVar aggregate classification (germline): Uncertain significance (1 of 4 stars; one submission).

Conditions:
Hereditary cancer-predisposing syndrome. Also called: Neoplastic Syndromes, Hereditary; Hereditary Cancer Syndrome; Hereditary neoplastic syndrome; Tumor predisposition. Identifiers: Orphanet 140162, MedGen C0027672, MeSH D009386, MONDO:0015356.

Submission:

Ambry Genetics
Classification: Uncertain significance for Hereditary cancer-predisposing syndrome. Last evaluated: 2023-04-18. Review status: criteria provided, single submitter. Criteria: Ambry Variant Classification Scheme 2023. Collection method: clinical testing. Allele origin: germline.
Comment: The p.K1591T variant (also known as c.4772A>C), located in coding exon 36 of the TSC2 gene, results from an A to C substitution at nucleotide position 4772. The lysine at codon 1591 is replaced by threonine, an amino acid with similar properties. This amino acid position is conserved. In addition, this alteration is predicted to be deleterious by in silico analysis. Since supporting evidence is limited at this time, the clinical significance of this alteration remains unclear.